The following is an entry in ClinVar:

ClinVar aggregate classification (germline): Uncertain significance. Review status: criteria provided, multiple submitters, no conflicts (2 of 4 stars). 2 submissions from 2 submitters: Uncertain significance (2). Last evaluated 2025-03-13.

Conditions:
Inborn genetic diseases. Identifiers: MedGen C0950123, MeSH D030342.

Allele frequency attached by ClinVar (database versions not stated): gnomAD exomes 0.00009; ExAC 0.00026; gnomAD 0.00046; TOPMed 0.00046; 1000 Genomes Project 30x 0.00031; ESP Exome Variant Server 0.00038; 1000 Genomes Project 0.00040.
gnomAD v4.1: 196 of 1,612,722 alleles (0.012%); highest among the groups gnomAD compares: African/African-American, 0.12%; 2 homozygotes.

Submissions (2):

GeneDx
Classification: Uncertain significance. Last evaluated: 2025-03-13. Review status: criteria provided, single submitter. Criteria: GeneDx Variant Classification Process June 2021. Collection method: clinical testing. Allele origin: germline. Affected: yes.
Comment: In silico analysis indicates that this missense variant does not alter protein structure/function; Has not been previously published as pathogenic or benign to our knowledge

Ambry Genetics
Classification: Uncertain significance for Inborn genetic diseases. Last evaluated: 2022-06-10. Review status: criteria provided, single submitter. Criteria: Ambry Variant Classification Scheme 2023. Collection method: clinical testing. Allele origin: germline.

NM_016343.4(CENPF):c.4628C>T (p.Ser1543Leu)

Gene: CENPF (centromere protein F; plus strand). Cytogenetic location: 1q41.
Variant type: single nucleotide variant.
Coding change: c.4628C>T on transcript NM_016343.4 (MANE Select); coding-DNA position 4628, C replaced by T.
Protein change: p.Ser1543Leu; replaces serine 1543 with leucine.
Molecular consequence: missense variant.
Genome position (GRCh38, 1-based): chr1:214,642,966, C>T. VCF-style: chr1-214642966-C-T. GRCh37 (hg19) VCF-style: chr1-214816309-C-T.
Other names: short protein forms S1543L.
Identifiers: ClinVar variation 2351300 (VCV002351300.3), dbSNP rs141012292, ClinGen allele CA1390627.